The following is an entry in ClinVar:

NM_017636.4(TRPM4):c.1486G>A (p.Ala496Thr)

Gene: TRPM4 (transient receptor potential cation channel subfamily M member 4; plus strand). Cytogenetic location: 19q13.33.
Variant type: single nucleotide variant.
Coding change: c.1486G>A on transcript NM_017636.4 (MANE Select); coding-DNA position 1486, G replaced by A.
Protein change: p.Ala496Thr; replaces alanine 496 with threonine.
Molecular consequence: missense variant. On other transcripts: 5 prime UTR variant (1).
Genome position (GRCh38, 1-based): chr19:49,182,800, G>A. VCF-style: chr19-49182800-G-A. GRCh37 (hg19) VCF-style: chr19-49686057-G-A.
Other names: c.1486G>A, p.Ala496Thr (NM_001195227.2); c.1141G>A, p.Ala381Thr (NM_001321281.2); c.-68G>A (NM_001321282.2); c.964G>A, p.Ala322Thr (NM_001321283.2); c.424G>A, p.Ala142Thr (NM_001321285.2); short protein forms A142T, A381T, A322T, A496T.
Identifiers: ClinVar variation 2051566 (VCV002051566.4), dbSNP rs1450601747, ClinGen allele CA406799477.

ClinVar aggregate classification (germline): Uncertain significance (1 of 4 stars; one submission).

Conditions:
Progressive familial heart block type IB (PFHB1B). Identifiers: Orphanet 871, MedGen C1970298, MONDO:0011474, OMIM 604559.

Allele frequency attached by ClinVar (database versions not stated): gnomAD exomes below 0.00001; TOPMed below 0.00001.

Submission:

Labcorp Genetics (formerly Invitae), Labcorp
Classification: Uncertain significance for Progressive familial heart block type IB. Last evaluated: 2022-10-29. Review status: criteria provided, single submitter. Criteria: Invitae Variant Classification Sherloc (09022015). Collection method: clinical testing. Allele origin: germline.
Comment: In summary, the available evidence is currently insufficient to determine the role of this variant in disease. Therefore, it has been classified as a Variant of Uncertain Significance. Algorithms developed to predict the effect of missense changes on protein structure and function output the following: SIFT: "Tolerated"; PolyPhen-2: "Benign"; Align-GVGD: "Class C0". The threonine amino acid residue is found in multiple mammalian species, which suggests that this missense change does not adversely affect protein function. This variant has not been reported in the literature in individuals affected with TRPM4-related conditions. This variant is present in population databases (no rsID available, gnomAD 0.0009%). This sequence change replaces alanine, which is neutral and non-polar, with threonine, which is neutral and polar, at codon 496 of the TRPM4 protein (p.Ala496Thr).